The following is an entry in ClinVar:

ClinVar aggregate classification (germline): Pathogenic (1 of 4 stars; one submission).

Conditions:
Usher syndrome type 1 (USH1). Also called: RETINITIS PIGMENTOSA AND CONGENITAL DEAFNESS. Identifiers: Orphanet 231169, Orphanet 886, MedGen C1568247, MONDO:0010168, OMIM 276900.

Submission:

Institute of Rare Diseases, West China Hospital, Sichuan University
Classification: Pathogenic for Usher syndrome type 1. Last evaluated: 2025-01-09. Review status: criteria provided, single submitter. Criteria: ClinGen HL ACMG Specifications v1. Collection method: research. Allele origin: germline. Affected: yes.
Comment: PVS1;PM3;PP1;PP4;PM2_Supporting

NM_000260.4(MYO7A):c.798del (p.Lys267fs)

Gene: MYO7A (myosin VIIA; plus strand). Cytogenetic location: 11q13.5.
Variant type: Deletion.
Coding change: c.798del on transcript NM_000260.4 (MANE Select); coding-DNA position 798, one base deleted (G; older notation c.798delG).
Protein change: p.Lys267fs; shifts the reading frame from lysine 267.
Molecular consequence: frameshift variant.
Genome position (GRCh38, 1-based): chr11:77,157,341, G deleted. VCF-style (leftmost placement, unchanged base first): chr11-77157340-AG-A. GRCh37 (hg19) VCF-style: chr11-76868386-AG-A.
Other names: c.798del, p.Lys267fs (NM_001127180.2); c.765del, p.Lys256fs (NM_001369365.1); short protein forms K256fs, K267fs.
Identifiers: ClinVar variation 3601504 (VCV003601504.1).